The following is an entry in ClinVar:

ClinVar aggregate classification (germline): Uncertain significance (1 of 4 stars; one submission).

Conditions:
Catecholaminergic polymorphic ventricular tachycardia 1. Also called: RYR2-Related Catecholaminergic Polymorphic Ventricular Tachycardia; VENTRICULAR TACHYCARDIA, STRESS-INDUCED POLYMORPHIC 1; VENTRICULAR TACHYCARDIA, CATECHOLAMINERGIC POLYMORPHIC, 1, WITH OR WITHOUT ATRIAL DYSFUNCTION AND/OR DILATED CARDIOMYOPATHY. Identifiers: Orphanet 3286, MedGen C1631597, MONDO:0011484, OMIM 604772.

Submission:

Labcorp Genetics (formerly Invitae), Labcorp
Classification: Uncertain significance for Catecholaminergic polymorphic ventricular tachycardia 1. Last evaluated: 2018-07-12. Review status: criteria provided, single submitter. Criteria: Invitae Variant Classification Sherloc (09022015). Collection method: clinical testing. Allele origin: germline.
Comment: This variant has not been reported in the literature in individuals with RYR2-related disease. In summary, the available evidence is currently insufficient to determine the role of this variant in disease. Therefore, it has been classified as a Variant of Uncertain Significance. Algorithms developed to predict the effect of missense changes on protein structure and function are either unavailable or do not agree on the potential impact of this missense change (SIFT: "Deleterious"; PolyPhen-2: "Probably Damaging"; Align-GVGD: "Class C15"). This variant is not present in population databases (ExAC no frequency). This sequence change replaces tyrosine with phenylalanine at codon 2476 of the RYR2 protein (p.Tyr2476Phe). The tyrosine residue is highly conserved and there is a small physicochemical difference between tyrosine and phenylalanine.

NM_001035.3(RYR2):c.7427A>T (p.Tyr2476Phe)

Gene: RYR2 (ryanodine receptor 2; plus strand). Cytogenetic location: 1q43.
Variant type: single nucleotide variant.
Coding change: c.7427A>T on transcript NM_001035.3 (MANE Select); coding-DNA position 7427, A replaced by T.
Protein change: p.Tyr2476Phe; replaces tyrosine 2476 with phenylalanine.
Molecular consequence: missense variant.
Genome position (GRCh38, 1-based): chr1:237,648,528, A>T. VCF-style: chr1-237648528-A-T. GRCh37 (hg19) VCF-style: chr1-237811828-A-T.
Other names: c.7427A>T, p.Tyr2476Phe (LRG_402t1); short protein forms Y2476F.
Identifiers: ClinVar variation 646932 (VCV000646932.10), dbSNP rs1573330149, ClinGen allele CA345398333.